The following is an entry in ClinVar:

NM_001370259.2(MEN1):c.248T>C (p.Leu83Pro)

Gene: MEN1 (menin 1; minus strand). Cytogenetic location: 11q13.1.
Variant type: single nucleotide variant.
Coding change: c.248T>C on transcript NM_001370259.2 (MANE Select); coding-DNA position 248, T replaced by C.
Protein change: p.Leu83Pro; replaces leucine 83 with proline.
Molecular consequence: missense variant.
Genome position (GRCh38, 1-based): chr11:64,809,862, A>G on the plus strand (T>C on the coding strand, the complement: MEN1 is on the minus strand). VCF-style: chr11-64809862-A-G. GRCh37 (hg19) VCF-style: chr11-64577334-A-G.
Other names: c.248T>C, p.Leu83Pro (NM_000244.4, NM_001370251.2, NM_001370260.2 and 9 more transcripts); c.248T>C (NM_130799.2); short protein forms L83P.
Identifiers: ClinVar variation 1052935 (VCV001052935.11), dbSNP rs752747097, ClinGen allele CA061032.

ClinVar aggregate classification (germline): Conflicting classifications of pathogenicity. Review status: criteria provided, conflicting classifications (1 of 4 stars). 2 submissions from 2 submitters: Uncertain significance (1); Likely benign (1). Last evaluated 2023-03-02.

Conditions:
Hereditary cancer-predisposing syndrome. Also called: Hereditary Cancer Syndrome; Tumor predisposition; Hereditary neoplastic syndrome; Neoplastic Syndromes, Hereditary. Identifiers: Orphanet 140162, MedGen C0027672, MeSH D009386, MONDO:0015356.
Multiple endocrine neoplasia, type 1 (MEN1). Also called: MEN I; WERMER SYNDROME; Endocrine adenomatosis multiple; MEN 1; MEA I. Identifiers: Orphanet 652, MedGen C0025267, MeSH D018761, MONDO:0007540, OMIM 131100.

Allele frequency attached by ClinVar (database versions not stated): ExAC 0.00001; gnomAD exomes 0.00001 and 0.00002.
gnomAD v4.1: 4 of 1,605,906 alleles (0.00025%); highest among the groups gnomAD compares: Admixed American, 0.0051%; no homozygotes.

Submissions (2):

Ambry Genetics
Classification: Likely benign for Hereditary cancer-predisposing syndrome. Last evaluated: 2023-03-02. Review status: criteria provided, single submitter. Criteria: Ambry Variant Classification Scheme 2023. Collection method: clinical testing. Allele origin: germline.

Labcorp Genetics (formerly Invitae), Labcorp
Classification: Uncertain significance for Multiple endocrine neoplasia, type 1. Last evaluated: 2020-01-14. Review status: criteria provided, single submitter. Criteria: Invitae Variant Classification Sherloc (09022015). Collection method: clinical testing. Allele origin: germline.
Comment: This sequence change replaces leucine with proline at codon 83 of the MEN1 protein (p.Leu83Pro). The leucine residue is highly conserved and there is a moderate physicochemical difference between leucine and proline. This variant is present in population databases (rs752747097, ExAC 0.02%). This variant has not been reported in the literature in individuals with MEN1-related conditions. Algorithms developed to predict the effect of missense changes on protein structure and function are either unavailable or do not agree on the potential impact of this missense change (SIFT: "Deleterious"; PolyPhen-2: "Probably Damaging"; Align-GVGD: "Class C0"). In summary, the available evidence is currently insufficient to determine the role of this variant in disease. Therefore, it has been classified as a Variant of Uncertain Significance.